The following is an entry in ClinVar:

NM_000238.4(KCNH2):c.-29GGCCCGCCC[3]

Gene: KCNH2 (potassium voltage-gated channel subfamily H member 2; minus strand). Cytogenetic location: 7q36.1.
Variant type: Microsatellite.
Coding change: c.-29GGCCCGCCC[3] on transcript NM_000238.4 (MANE Select); three copies in a row of the 9-base unit GGCCCGCCC starting at c.-29; the reference has two copies in a row; one copy, 9 bases duplicated.
Molecular consequence: 5 prime UTR variant.
Genome position (GRCh38, 1-based): chr7:150,977,925-150,977,933, GGGCGGGCC duplicated on the plus strand (GGCCCGCCC on the coding strand, the reverse complement: KCNH2 is on the minus strand); duplicating any 9 consecutive bases within chr7:150,977,925-150,977,942 gives the same sequence; the position shown is the placement nearest the transcript's 3' end. VCF-style (leftmost placement, unchanged base first): chr7-150977924-T-TGGGCGGGCC. GRCh37 (hg19) VCF-style: chr7-150675012-T-TGGGCGGGCC.
Other names: c.-20_-12dup (NM_000238.3, NM_000238.4); c.-29_-21GGCCCGCCC[3] (NM_000238.3, NM_172056.3).
Identifiers: ClinVar variation 921743 (VCV000921743.10), dbSNP rs754605400, ClinGen allele CA4566442.
Genomic context (GRCh38, chr7:150,977,924, plus strand): 5'-GTGTCCAGGAAGGTGTTCTGCGGCGCGACGTGGCCCCTCCGCACCGGCATCCTGAGCCCA[T>TGGGCGGGCC]GGGCGGGCCGGGCGGGCCCCCACCCACCCCGGCCCGGCCCGGCCCAGCACTAGGCTTCGG-3'

ClinVar aggregate classification (germline): Conflicting classifications of pathogenicity. Review status: criteria provided, conflicting classifications (1 of 4 stars). 3 submissions from 3 submitters: Uncertain significance (2); Likely benign (1). Last evaluated 2024-05-24.

Conditions:
Short QT syndrome type 1. Identifiers: Orphanet 51083, MedGen C1865020, MONDO:0012312, OMIM 609620.
Long QT syndrome 2 (LQT2). Identifiers: Orphanet 101016, Orphanet 768, MedGen C3150943, MONDO:0013367, OMIM 613688.
Cardiac arrhythmia. Also called: Cardiac rhythm disease; Arrhythmia. Identifiers: MedGen C0003811, MONDO:0007263, HP:0011675.

Allele frequency attached by ClinVar (database versions not stated): TOPMed 0.00006.

Submissions (3):

Color Diagnostics, LLC DBA Color Health
Classification: Uncertain significance for Cardiac arrhythmia. Last evaluated: 2024-05-24. Review status: criteria provided, single submitter. Criteria: ACMG Guidelines, 2015. Collection method: clinical testing. Allele origin: germline.
Comment: This variant results in a duplication of 9 nucleotides in the 5' untranslated region of the KCNH2 gene. To our knowledge, functional studies have not been reported for this variant. This variant has not been reported in individuals affected with KCNH2-related disorders in the literature. This variant has been identified in 5/220918 chromosomes in the general population by the Genome Aggregation Database (gnomAD). The available evidence is insufficient to determine the role of this variant in disease conclusively. Therefore, this variant is classified as a Variant of Uncertain Significance.

Fulgent Genetics
Classification: Uncertain significance for Short QT syndrome type 1; Long QT syndrome 2. Last evaluated: 2022-02-03. Review status: criteria provided, single submitter. Criteria: ACMG Guidelines, 2015. Collection method: clinical testing. Allele origin: unknown.

Blueprint Genetics
Classification: Likely benign. Last evaluated: 2019-09-17. Review status: criteria provided, single submitter. Criteria: ACMG Guidelines, 2015. Collection method: clinical testing. Allele origin: germline.